The following is an entry in ClinVar:

NM_194248.3(OTOF):c.224A>G (p.Asn75Ser)

Gene: OTOF (otoferlin; minus strand). Cytogenetic location: 2p23.3.
Variant type: single nucleotide variant.
Coding change: c.224A>G on transcript NM_194248.3 (MANE Select); coding-DNA position 224, A replaced by G.
Protein change: p.Asn75Ser; replaces asparagine 75 with serine.
Molecular consequence: missense variant.
Genome position (GRCh38, 1-based): chr2:26,527,835, T>C on the plus strand (A>G on the coding strand, the complement: OTOF is on the minus strand). VCF-style: chr2-26527835-T-C. GRCh37 (hg19) VCF-style: chr2-26750703-T-C.
Other names: c.224A>G, p.Asn75Ser (NM_001287489.2); short protein forms N75S.
Identifiers: ClinVar variation 283870 (VCV000283870.9), dbSNP rs775875524, ClinGen allele CA1564766.

ClinVar aggregate classification (germline): Uncertain significance. Review status: criteria provided, multiple submitters, no conflicts (2 of 4 stars). 2 submissions from 2 submitters: Uncertain significance (2). Last evaluated 2020-11-04.

Allele frequency attached by ClinVar (database versions not stated): TOPMed below 0.00001; gnomAD exomes 0.00001; ExAC 0.00002.
gnomAD v4.1: 4 of 1,611,518 alleles (0.00025%); highest among the groups gnomAD compares: Non-Finnish European, 0.00017%; no homozygotes.

Submissions (2):

Laboratory for Molecular Medicine, Mass General Brigham Personalized Medicine
Classification: Uncertain significance. Last evaluated: 2020-11-04. Review status: criteria provided, single submitter. Criteria: LMM Criteria. Collection method: clinical testing. Allele origin: germline. Observed: 1 variant allele.
Comment: The p.Asn755Ser variant in OTOF has not been previously reported in individuals with hearing loss but has been identified in 0.009% (2/21648) of European chromosomes by gnomAD. This variant has also been reported in ClinVar (Variation ID 283870). Computational prediction tools and conservation analysis suggest that this variant may impact the protein, though this information is not predictive enough to determine pathogenicity. In summary, the clinical significance of this variant is uncertain. ACMG/AMP Criteria applied: PM2, PP3.

Eurofins Ntd Llc (ga)
Classification: Uncertain significance. Last evaluated: 2015-10-20. Review status: criteria provided, single submitter. Criteria: EGL Classification Definitions 2015. Collection method: clinical testing. Allele origin: germline. Observed: 1 variant allele, 1 heterozygote.